The following is an entry in ClinVar:

ClinVar aggregate classification (germline): Uncertain significance (1 of 4 stars; one submission).

Submission:

Labcorp Genetics (formerly Invitae), Labcorp
Classification: Uncertain significance. Last evaluated: 2022-06-19. Review status: criteria provided, single submitter. Criteria: Invitae Variant Classification Sherloc (09022015). Collection method: clinical testing. Allele origin: germline.
Comment: In summary, the available evidence is currently insufficient to determine the role of this variant in disease. Therefore, it has been classified as a Variant of Uncertain Significance. Algorithms developed to predict the effect of missense changes on protein structure and function are either unavailable or do not agree on the potential impact of this missense change (SIFT: "Deleterious"; PolyPhen-2: "Possibly Damaging"; Align-GVGD: "Class C0"). This variant has not been reported in the literature in individuals affected with SRCAP-related conditions. This variant is not present in population databases (gnomAD no frequency). This sequence change replaces proline, which is neutral and non-polar, with histidine, which is basic and polar, at codon 1448 of the SRCAP protein (p.Pro1448His).

NM_006662.3(SRCAP):c.4343C>A (p.Pro1448His)

Gene: SRCAP (Snf2 related CREBBP activator protein; plus strand). Cytogenetic location: 16p11.2.
Variant type: single nucleotide variant.
Coding change: c.4343C>A on transcript NM_006662.3 (MANE Select); coding-DNA position 4343, C replaced by A.
Protein change: p.Pro1448His; replaces proline 1448 with histidine.
Molecular consequence: missense variant.
Genome position (GRCh38, 1-based): chr16:30,723,767, C>A. VCF-style: chr16-30723767-C-A. GRCh37 (hg19) VCF-style: chr16-30735088-C-A.
Other names: short protein forms P1448H.
Identifiers: ClinVar variation 1485333 (VCV001485333.8), dbSNP rs2151294015, ClinGen allele CA395615801.
Genomic context (GRCh38, chr16:30,723,767, plus strand): 5'-CCTCTACAGTCTCAGTTCCATTGTCATCTTCACTCCCCATCTCTGTCCCCACCACACTTC[C>A]TGCCCCAGCCTCGGCTCCACTCACCATCCCCATCTCAGCCCCCTTGACTGTTTCTGCTTC-3'
Protein context (NP_006653.2, residues 1438-1458): SLPISVPTTL[Pro1448His]APASAPLTIP